The following is an entry in ClinVar:

ClinVar aggregate classification (germline): Uncertain significance. Review status: criteria provided, multiple submitters, no conflicts (2 of 4 stars). 2 submissions from 2 submitters: Uncertain significance (2). Last evaluated 2025-10-14.

Conditions:
Thyroid dyshormonogenesis 6 (TDH6). Also called: Genetic transient congenital hypothyroidism; THYROID HORMONOGENESIS, GENETIC DEFECT IN, 6; HYPOTHYROIDISM, CONGENITAL, DUE TO DYSHORMONOGENESIS, 6. Identifiers: Orphanet 226316, Orphanet 95716, MedGen C1846632, MONDO:0011792, OMIM 607200.

Allele frequency attached by ClinVar (database versions not stated): gnomAD exomes 0.00001; ExAC 0.00002.

Submissions (2):

Labcorp Genetics (formerly Invitae), Labcorp
Classification: Uncertain significance. Last evaluated: 2025-10-14. Review status: criteria provided, single submitter. Criteria: Invitae Variant Classification Sherloc (09022015). Collection method: clinical testing. Allele origin: germline.
Comment: This sequence change creates a premature translational stop signal (p.Arg1538*) in the DUOX2 gene. While this is not anticipated to result in nonsense mediated decay, it is expected to disrupt the last 11 amino acid(s) of the DUOX2 protein. This variant is present in population databases (rs780309467, gnomAD 0.01%). This variant has not been reported in the literature in individuals affected with DUOX2-related conditions. ClinVar contains an entry for this variant (Variation ID: 1443200). Experimental studies and prediction algorithms are not available or were not evaluated, and the functional significance of this variant is currently unknown. In summary, the available evidence is currently insufficient to determine the role of this variant in disease. Therefore, it has been classified as a Variant of Uncertain Significance.

Revvity Omics, Revvity
Classification: Uncertain significance for Thyroid dyshormonogenesis 6. Last evaluated: 2024-02-13. Review status: criteria provided, single submitter. Criteria: ACMG Guidelines, 2015. Collection method: clinical testing. Allele origin: germline.

NM_001363711.2(DUOX2):c.4612C>T (p.Arg1538Ter)

Gene: DUOX2 (dual oxidase 2; minus strand). Cytogenetic location: 15q21.1.
Variant type: single nucleotide variant.
Coding change: c.4612C>T on transcript NM_001363711.2 (MANE Select); coding-DNA position 4612, C replaced by T.
Protein change: p.Arg1538Ter; replaces arginine 1538 with a stop codon.
Molecular consequence: nonsense.
Genome position (GRCh38, 1-based): chr15:45,094,185, G>A on the plus strand (C>T on the coding strand, the complement: DUOX2 is on the minus strand). VCF-style: chr15-45094185-G-A. GRCh37 (hg19) VCF-style: chr15-45386383-G-A.
Other names: c.4612C>T, p.Arg1538Ter (NM_014080.5); c.4612C>T (NM_014080.4); short protein forms R1538*.
Identifiers: ClinVar variation 1443200 (VCV001443200.8), dbSNP rs780309467, ClinGen allele CA7537451.